The following is an entry in ClinVar:

NM_001005373.4(LRSAM1):c.1802G>C (p.Ser601Thr)

Gene: LRSAM1 (leucine rich repeat and sterile alpha motif containing 1; plus strand). Cytogenetic location: 9q33.3.
Variant type: single nucleotide variant.
Coding change: c.1802G>C on transcript NM_001005373.4 (MANE Select); coding-DNA position 1802, G replaced by C.
Protein change: p.Ser601Thr; replaces serine 601 with threonine.
Molecular consequence: missense variant. On other transcripts: non-coding transcript variant (2).
Genome position (GRCh38, 1-based): chr9:127,496,067, G>C. VCF-style: chr9-127496067-G-C. GRCh37 (hg19) VCF-style: chr9-130258346-G-C.
Other names: c.1802G>C, p.Ser601Thr (NM_001005374.4, NM_001384142.1, NM_138361.5); c.1721G>C, p.Ser574Thr (NM_001190723.3); c.1703G>C, p.Ser568Thr (NM_001384143.1); c.1013G>C, p.Ser338Thr (NM_001384144.1); short protein forms S601T, S574T, S338T, S568T.
Identifiers: ClinVar variation 640368 (VCV000640368.8), dbSNP rs201137230, ClinGen allele CA199852351.

ClinVar aggregate classification (germline): Uncertain significance (1 of 4 stars; one submission).

Conditions:
Charcot-Marie-Tooth disease axonal type 2P. Also called: CHARCOT-MARIE-TOOTH NEUROPATHY, TYPE 2P; Charcot-Marie-Tooth Neuropathy Type 2G; CHARCOT-MARIE-TOOTH DISEASE, AXONAL, TYPE 2G; CMT 2G. Identifiers: Orphanet 300319, Orphanet 99941, MedGen C3280797, MONDO:0013753, OMIM 614436.

Allele frequency attached by ClinVar (database versions not stated): TOPMed below 0.00001; gnomAD 0.00001.
gnomAD v4.1: 2 of 1,611,252 alleles (0.00012%); highest among the groups gnomAD compares: Non-Finnish European, 0.000085%; no homozygotes.

Submission:

Labcorp Genetics (formerly Invitae), Labcorp
Classification: Uncertain significance for Charcot-Marie-Tooth disease axonal type 2P. Last evaluated: 2023-06-08. Review status: criteria provided, single submitter. Criteria: Invitae Variant Classification Sherloc (09022015). Collection method: clinical testing. Allele origin: germline.
Comment: In summary, the available evidence is currently insufficient to determine the role of this variant in disease. Therefore, it has been classified as a Variant of Uncertain Significance. Advanced modeling of protein sequence and biophysical properties (such as structural, functional, and spatial information, amino acid conservation, physicochemical variation, residue mobility, and thermodynamic stability) performed at Invitae indicates that this missense variant is not expected to disrupt LRSAM1 protein function. ClinVar contains an entry for this variant (Variation ID: 640368). This variant has not been reported in the literature in individuals affected with LRSAM1-related conditions. This variant is not present in population databases (gnomAD no frequency). This sequence change replaces serine, which is neutral and polar, with threonine, which is neutral and polar, at codon 601 of the LRSAM1 protein (p.Ser601Thr).